The following is an entry in ClinVar:

ClinVar aggregate classification (germline): Uncertain significance (1 of 4 stars; one submission).

Allele frequency attached by ClinVar (database versions not stated): TOPMed 0.00001; gnomAD 0.00002; gnomAD exomes 0.00004.
gnomAD v4.1: 46 of 1,208,393 alleles (0.0038%); highest among the groups gnomAD compares: Non-Finnish European, 0.005%; no homozygotes.

Submission:

Labcorp Genetics (formerly Invitae), Labcorp
Classification: Uncertain significance. Last evaluated: 2022-04-05. Review status: criteria provided, single submitter. Criteria: Invitae Variant Classification Sherloc (09022015). Collection method: clinical testing. Allele origin: germline.
Comment: In summary, the available evidence is currently insufficient to determine the role of this variant in disease. Therefore, it has been classified as a Variant of Uncertain Significance. Algorithms developed to predict the effect of missense changes on protein structure and function output the following: SIFT: "Tolerated"; PolyPhen-2: "Benign"; Align-GVGD: "Class C0". The threonine amino acid residue is found in multiple mammalian species, which suggests that this missense change does not adversely affect protein function. This variant has not been reported in the literature in individuals affected with NEXMIF-related conditions. This variant is not present in population databases (gnomAD no frequency). This sequence change replaces proline, which is neutral and non-polar, with threonine, which is neutral and polar, at codon 61 of the NEXMIF protein (p.Pro61Thr).

NM_001008537.3(NEXMIF):c.181C>A (p.Pro61Thr)

Gene: NEXMIF (neurite extension and migration factor; minus strand). Cytogenetic location: Xq13.3.
Variant type: single nucleotide variant.
Coding change: c.181C>A on transcript NM_001008537.3 (MANE Select); coding-DNA position 181, C replaced by A.
Protein change: p.Pro61Thr; replaces proline 61 with threonine.
Molecular consequence: missense variant.
Genome position (GRCh38, 1-based): chrX:74,744,376, G>T on the plus strand (C>A on the coding strand, the complement: NEXMIF is on the minus strand). VCF-style: chrX-74744376-G-T. GRCh37 (hg19) VCF-style: chrX-73964211-G-T.
Other names: short protein forms P61T.
Identifiers: ClinVar variation 2107783 (VCV002107783.4), dbSNP rs1272191574, ClinGen allele CA413674146.